The following is an entry in ClinVar:

NM_022124.6(CDH23):c.5068G>C (p.Gly1690Arg)

Gene: CDH23 (cadherin related 23; plus strand). Cytogenetic location: 10q22.1.
Variant type: single nucleotide variant.
Coding change: c.5068G>C on transcript NM_022124.6 (MANE Select); coding-DNA position 5068, G replaced by C.
Protein change: p.Gly1690Arg; replaces glycine 1690 with arginine.
Molecular consequence: missense variant.
Genome position (GRCh38, 1-based): chr10:71,778,189, G>C. VCF-style: chr10-71778189-G-C. GRCh37 (hg19) VCF-style: chr10-73537946-G-C.
Other names: short protein forms G1690R.
Identifiers: ClinVar variation 1473436 (VCV001473436.6), dbSNP rs2132927126, ClinGen allele CA377140529.

ClinVar aggregate classification (germline): Uncertain significance (1 of 4 stars; one submission).

Submission:

Labcorp Genetics (formerly Invitae), Labcorp
Classification: Uncertain significance. Last evaluated: 2022-02-21. Review status: criteria provided, single submitter. Criteria: Invitae Variant Classification Sherloc (09022015). Collection method: clinical testing. Allele origin: germline.
Comment: This variant is not present in population databases (gnomAD no frequency). This sequence change replaces glycine, which is neutral and non-polar, with arginine, which is basic and polar, at codon 1690 of the CDH23 protein (p.Gly1690Arg). This variant has not been reported in the literature in individuals affected with CDH23-related conditions. In summary, the available evidence is currently insufficient to determine the role of this variant in disease. Therefore, it has been classified as a Variant of Uncertain Significance. Algorithms developed to predict the effect of missense changes on protein structure and function are either unavailable or do not agree on the potential impact of this missense change (SIFT: "Deleterious"; PolyPhen-2: "Not Available"; Align-GVGD: "Class C65").